The following continues an entry in ClinVar:

NM_007294.4(BRCA1):c.181T>G (p.Cys61Gly)

Gene: BRCA1. ClinVar aggregate classification (germline): Pathogenic. Pathogenic (1).

Submissions 75 to 77 of 77:

Joint Genome Diagnostic Labs from Nijmegen and Maastricht, Radboudumc and MUMC+
Classification: Pathogenic. Review status: no assertion criteria provided. Collection method: clinical testing. Allele origin: germline. Affected: yes. Study: VKGL Data-share Consensus. Not counted in ClinVar's aggregate classification.

Laboratory of Diagnostic Genome Analysis, Leiden University Medical Center (LUMC)
Classification: Pathogenic. Review status: no assertion criteria provided. Collection method: clinical testing. Allele origin: germline. Affected: yes. Study: VKGL Data-share Consensus. Not counted in ClinVar's aggregate classification.

Medical Genetics, Medical University Pleven
Classification: Pathogenic for Breast-ovarian cancer, familial, susceptibility to, 1. Review status: no assertion criteria provided. Collection method: research. Allele origin: germline. Inheritance: Autosomal dominant inheritance. Affected: yes. Not counted in ClinVar's aggregate classification.

Literature cited by the submitters: PubMed 21990134 (cited by 4 submitters); PubMed 7894493 (cited by 10 submitters); PubMed 10788334 (cited by 9 submitters); PubMed 20180014 (cited by 4 submitters); PubMed 21324516 (cited by 5 submitters); PubMed 19594371 (cited by 3 submitters); PubMed 20345474 (cited by 5 submitters); PubMed 20507347 (cited by 5 submitters); PubMed 20569256 (cited by 9 submitters); PubMed 30209399 (cited by 7 submitters); PubMed 9525870 (cited by 9 submitters); PubMed 11278247 (cited by 6 submitters); PubMed 22172724 (cited by 4 submitters); PubMed 22843421 (cited by Labcorp Genetics (formerly Invitae), Labcorp); PubMed 23161852 (cited by 3 submitters); PubMed 23867111 (cited by 4 submitters); PubMed 29339979 (cited by Center for Genomic Medicine, Rigshospitalet, Copenhagen University Hospital and Quest Diagnostics Nichols Institute San Juan Capistrano); PubMed 23199084 (cited by Center for Genomic Medicine, Rigshospitalet, Copenhagen University Hospital and Ambry Genetics); PubMed 32741062 (cited by Dasa and Quest Diagnostics Nichols Institute San Juan Capistrano); PubMed 16227521 (cited by Ambry Genetics); PubMed 21990165 (cited by Ambry Genetics); PubMed 25782689 (cited by Ambry Genetics and Quest Diagnostics Nichols Institute San Juan Capistrano); PubMed 27153395 (cited by Ambry Genetics and Quest Diagnostics Nichols Institute San Juan Capistrano); PubMed 27433846 (cited by 4 submitters); PubMed 28324225 (cited by Ambry Genetics and Quest Diagnostics Nichols Institute San Juan Capistrano); PubMed 28423363 (cited by Ambry Genetics and Quest Diagnostics Nichols Institute San Juan Capistrano); PubMed 28477318 (cited by Ambry Genetics and Quest Diagnostics Nichols Institute San Juan Capistrano); PubMed 29433453 (cited by Ambry Genetics and Quest Diagnostics Nichols Institute San Juan Capistrano); PubMed 30067863 (cited by Ambry Genetics and Quest Diagnostics Nichols Institute San Juan Capistrano); PubMed 10447273 (cited by 3 submitters); PubMed 11102977 (cited by 3 submitters); PubMed 11320250 (cited by 3 submitters); PubMed 18243530 (cited by Color Diagnostics, LLC DBA Color Health and Diagnostics Centre, Carl Von Ossietzky University Oldenburg); PubMed 20103620 (cited by 4 submitters); PubMed 25823446 (cited by Color Diagnostics, LLC DBA Color Health and Quest Diagnostics Nichols Institute San Juan Capistrano); PubMed 29492181 (cited by 3 submitters); PubMed 31853058 (cited by Color Diagnostics, LLC DBA Color Health); PubMed 32341426 (cited by Color Diagnostics, LLC DBA Color Health and Quest Diagnostics Nichols Institute San Juan Capistrano); PubMed 32546644 (cited by Color Diagnostics, LLC DBA Color Health and Mayo Clinic Laboratories, Mayo Clinic); PubMed 32885271 (cited by Color Diagnostics, LLC DBA Color Health and Quest Diagnostics Nichols Institute San Juan Capistrano); PubMed 33471991 (cited by Color Diagnostics, LLC DBA Color Health); PubMed 33484353 (cited by Color Diagnostics, LLC DBA Color Health and Quest Diagnostics Nichols Institute San Juan Capistrano); PubMed 35464868 (cited by Color Diagnostics, LLC DBA Color Health and Quest Diagnostics Nichols Institute San Juan Capistrano); PubMed 19329713 (cited by 3billion); PubMed 21503673 (cited by All of Us Research Program, National Institutes of Health and Quest Diagnostics Nichols Institute San Juan Capistrano); PubMed 21965345 (cited by All of Us Research Program, National Institutes of Health and Quest Diagnostics Nichols Institute San Juan Capistrano); PubMed 23695190 (cited by All of Us Research Program, National Institutes of Health and Quest Diagnostics Nichols Institute San Juan Capistrano); PubMed 24728189 (cited by 3 submitters); PubMed 26381082 (cited by Department of Genomics, ADN Uruguay); PubMed 14986830 (cited by Mayo Clinic Laboratories, Mayo Clinic and Quest Diagnostics Nichols Institute San Juan Capistrano); PubMed 15290653 (cited by Mayo Clinic Laboratories, Mayo Clinic and Quest Diagnostics Nichols Institute San Juan Capistrano); PubMed 16168118 (cited by Mayo Clinic Laboratories, Mayo Clinic and Laboratory for Molecular Medicine, Mass General Brigham Personalized Medicine); PubMed 18824701 (cited by Mayo Clinic Laboratories, Mayo Clinic); PubMed 19770520 (cited by 3 submitters); PubMed 24504028 (cited by Mayo Clinic Laboratories, Mayo Clinic and Quest Diagnostics Nichols Institute San Juan Capistrano); PubMed 31347298 (cited by Mayo Clinic Laboratories, Mayo Clinic and Quest Diagnostics Nichols Institute San Juan Capistrano); PubMed 8644702 (cited by Mayo Clinic Laboratories, Mayo Clinic); PubMed 16403807 (cited by Quest Diagnostics Nichols Institute San Juan Capistrano); PubMed 15235020 (cited by Quest Diagnostics Nichols Institute San Juan Capistrano); PubMed 12732733 (cited by Quest Diagnostics Nichols Institute San Juan Capistrano and Women's Health and Genetics/Laboratory Corporation of America, LabCorp); PubMed 15569676 (cited by Quest Diagnostics Nichols Institute San Juan Capistrano); PubMed 27272900 (cited by Quest Diagnostics Nichols Institute San Juan Capistrano); PubMed 27978560 (cited by Quest Diagnostics Nichols Institute San Juan Capistrano); PubMed 26681312 (cited by Quest Diagnostics Nichols Institute San Juan Capistrano); PubMed 25971625 (cited by Quest Diagnostics Nichols Institute San Juan Capistrano); PubMed 18680205 (cited by Quest Diagnostics Nichols Institute San Juan Capistrano and Counsyl); PubMed 19543972 (cited by Quest Diagnostics Nichols Institute San Juan Capistrano); PubMed 21520273 (cited by Quest Diagnostics Nichols Institute San Juan Capistrano); PubMed 21922593 (cited by Quest Diagnostics Nichols Institute San Juan Capistrano); PubMed 22006311 (cited by Quest Diagnostics Nichols Institute San Juan Capistrano); PubMed 24489791 (cited by Quest Diagnostics Nichols Institute San Juan Capistrano); PubMed 25085752 (cited by Quest Diagnostics Nichols Institute San Juan Capistrano); PubMed 25525159 (cited by Quest Diagnostics Nichols Institute San Juan Capistrano and Counsyl); PubMed 26246475 (cited by Quest Diagnostics Nichols Institute San Juan Capistrano); PubMed 26689913 (cited by Quest Diagnostics Nichols Institute San Juan Capistrano); PubMed 27741520 (cited by Quest Diagnostics Nichols Institute San Juan Capistrano); PubMed 27836010 (cited by Quest Diagnostics Nichols Institute San Juan Capistrano); PubMed 28285342 (cited by Quest Diagnostics Nichols Institute San Juan Capistrano); PubMed 29310832 (cited by Quest Diagnostics Nichols Institute San Juan Capistrano); PubMed 29335924 (cited by Quest Diagnostics Nichols Institute San Juan Capistrano); PubMed 29446198 (cited by Quest Diagnostics Nichols Institute San Juan Capistrano); PubMed 29506128 (cited by Quest Diagnostics Nichols Institute San Juan Capistrano); PubMed 29625052 (cited by Quest Diagnostics Nichols Institute San Juan Capistrano); PubMed 30720243 (cited by Quest Diagnostics Nichols Institute San Juan Capistrano); PubMed 31090900 (cited by Quest Diagnostics Nichols Institute San Juan Capistrano); PubMed 31159747 (cited by Quest Diagnostics Nichols Institute San Juan Capistrano); PubMed 31447099 (cited by Quest Diagnostics Nichols Institute San Juan Capistrano); PubMed 32719484 (cited by Quest Diagnostics Nichols Institute San Juan Capistrano); PubMed 32854451 (cited by Quest Diagnostics Nichols Institute San Juan Capistrano); PubMed 33087888 (cited by Quest Diagnostics Nichols Institute San Juan Capistrano); PubMed 33507482 (cited by Quest Diagnostics Nichols Institute San Juan Capistrano); PubMed 33674644 (cited by Quest Diagnostics Nichols Institute San Juan Capistrano); PubMed 26295337 (cited by Quest Diagnostics Nichols Institute San Juan Capistrano); DOI 10.3389/fgene.2022.834265 (cited by National Health Laboratory Service, Universitas Academic Hospital and University of the Free State); PubMed 20683152 (cited by 3 submitters); PubMed 7795652 (cited by Women's Health and Genetics/Laboratory Corporation of America, LabCorp and OMIM); PubMed 12810666 (cited by Women's Health and Genetics/Laboratory Corporation of America, LabCorp); PubMed 24884479 (cited by Clinical and Functional Genomics Group, A.C.Camargo Cancer Center); PubMed 28478614 (cited by University of Science and Technology Houari Boumediene, Laboratory of Molecular and Cellular Biology (LBCM)); PubMed 32295079 (cited by CZECANCA consortium); PubMed 12938098 (cited by Counsyl); PubMed 15024741 (cited by Breast Cancer Information Core (BIC) (BRCA1)); Johannsson et al AJHG 58:441-450, 1997 (cited by Breast Cancer Information Core (BIC) (BRCA1)); PubMed 15383404 (cited by Breast Cancer Information Core (BIC) (BRCA1)).